The following is an entry in ClinVar:

NM_001374736.1(DST):c.13721+2dup

Gene: DST (dystonin; minus strand). Cytogenetic location: 6p12.1.
Variant type: Duplication.
Coding change: c.13721+2dup on transcript NM_001374736.1 (MANE Select); the canonical splice donor site of the intron after coding-DNA position 13721, one base duplicated (T; older notation c.13721+2dupT).
Molecular consequence: splice donor variant.
Genome position (GRCh38, 1-based): chr6:56,572,098, A duplicated on the plus strand (T on the coding strand, the reverse complement: DST is on the minus strand). VCF-style (leftmost placement, unchanged base first): chr6-56572097-T-TA. GRCh37 (hg19) VCF-style: chr6-56436895-T-TA.
Other names: c.7364+2dup (NM_001144769.5); c.13721+2dup (NM_001374722.1); c.13748+2dup (NM_001374734.1); c.6950+2dup (NM_001144770.2); c.6830+2dup (NM_001374730.1, NM_001386100.1, NM_183380.4); c.13088+2dup (NM_001374729.1); c.5852+2dup (NM_015548.5).
Identifiers: ClinVar variation 1415791 (VCV001415791.6), dbSNP rs1209737890, ClinGen allele CA567638070.

ClinVar aggregate classification (germline): Uncertain significance (1 of 4 stars; one submission).

Conditions:
Hereditary sensory and autonomic neuropathy type 6. Also called: HSAN VI; Neuropathy, hereditary sensory and autonomic, type VI. Identifiers: Orphanet 314381, MedGen C3539003, MONDO:0013839, OMIM 614653.
Epidermolysis bullosa simplex 3, localized or generalized intermediate, with BP230 deficiency (EBS3). Also called: Epidermolysis bullosa simplex, autosomal recessive 2; Epidermolysis bullosa simplex due to BP230 deficiency. Identifiers: Orphanet 412181, MedGen C3809470, MONDO:0014180, OMIM 615425.

Allele frequency attached by ClinVar (database versions not stated): gnomAD exomes below 0.00001 and 0.00001; gnomAD 0.00001; TOPMed 0.00001.

Submission:

Labcorp Genetics (formerly Invitae), Labcorp
Classification: Uncertain significance for Epidermolysis bullosa simplex 3, localized or generalized intermediate, with BP230 deficiency; Hereditary sensory and autonomic neuropathy type 6. Last evaluated: 2022-08-16. Review status: criteria provided, single submitter. Criteria: Invitae Variant Classification Sherloc (09022015). Collection method: clinical testing. Allele origin: germline.
Comment: The DST gene has multiple clinically relevant transcripts. This variant occurs in alternate transcript NM_015548.4, and corresponds to NM_001723.5:c.*43419dup in the primary transcript. This sequence change falls in intron 34 of the DST gene. It affects a nucleotide within the consensus splice site. In summary, the available evidence is currently insufficient to determine the role of this variant in disease. Therefore, it has been classified as a Variant of Uncertain Significance. Variants that disrupt the consensus splice site are a relatively common cause of aberrant splicing (PMID: 17576681, 9536098). Experimental studies and prediction algorithms are not available or were not evaluated, and the effect of this variant on mRNA splicing is currently unknown. This variant has not been reported in the literature in individuals affected with DST-related conditions. This variant is present in population databases (no rsID available, gnomAD 0.01%).

Literature cited by the submitters: PubMed 17576681; PubMed 9536098.